The following is an entry in ClinVar:

ClinVar aggregate classification (germline): Uncertain significance (1 of 4 stars; one submission).

Conditions:
FGFR2-related craniosynostosis. Identifiers: MedGen CN231480.

Submission:

Labcorp Genetics (formerly Invitae), Labcorp
Classification: Uncertain significance for FGFR2-related craniosynostosis. Last evaluated: 2025-07-21. Review status: criteria provided, single submitter. Criteria: Invitae Variant Classification Sherloc (09022015). Collection method: clinical testing. Allele origin: germline.
Comment: This sequence change replaces threonine, which is neutral and polar, with isoleucine, which is neutral and non-polar, at codon 786 of the FGFR2 protein (p.Thr786Ile). This variant is not present in population databases (gnomAD no frequency). This variant has not been reported in the literature in individuals affected with FGFR2-related conditions. Invitae Evidence Modeling of protein sequence and biophysical properties (such as structural, functional, and spatial information, amino acid conservation, physicochemical variation, residue mobility, and thermodynamic stability) indicates that this missense variant is not expected to disrupt FGFR2 protein function with a negative predictive value of 80%. In summary, the available evidence is currently insufficient to determine the role of this variant in disease. Therefore, it has been classified as a Variant of Uncertain Significance.

NM_000141.5(FGFR2):c.2357C>T (p.Thr786Ile)

Gene: FGFR2 (fibroblast growth factor receptor 2; minus strand). Cytogenetic location: 10q26.13.
Variant type: single nucleotide variant.
Coding change: c.2357C>T on transcript NM_000141.5 (MANE Select); coding-DNA position 2357, C replaced by T.
Protein change: p.Thr786Ile; replaces threonine 786 with isoleucine.
Molecular consequence: missense variant. On other transcripts: 3 prime UTR variant (1), non-coding transcript variant (1), intron variant (1).
Genome position (GRCh38, 1-based): chr10:121,479,966, G>A on the plus strand (C>T on the coding strand, the complement: FGFR2 is on the minus strand). VCF-style: chr10-121479966-G-A. GRCh37 (hg19) VCF-style: chr10-123239480-G-A.
Other names: c.2021C>T, p.Thr674Ile (NM_001144914.1); c.2012C>T, p.Thr671Ile (NM_001144916.2, NM_001441090.1); c.2009C>T, p.Thr670Ile (NM_001144917.2); c.2006C>T, p.Thr669Ile (NM_001144918.2); c.1673C>T, p.Thr558Ile (NM_001320654.2); c.2351C>T, p.Thr784Ile (NM_001320658.2); c.2354C>T, p.Thr785Ile (NM_001441087.1); c.2087C>T, p.Thr696Ile (NM_001441088.1); and 5 more; short protein forms T669I, T670I, T695I, T697I, T784I, T674I, T696I, T558I.
Identifiers: ClinVar variation 4741928 (VCV004741928.1).